The following is an entry in ClinVar:

ClinVar aggregate classification (germline): Likely benign. Review status: criteria provided, multiple submitters, no conflicts (2 of 4 stars). 3 submissions from 3 submitters: Likely benign (3). Last evaluated 2025-01-07.

Conditions:
Hereditary cancer-predisposing syndrome. Also called: Hereditary neoplastic syndrome; Tumor predisposition; Neoplastic Syndromes, Hereditary; Hereditary Cancer Syndrome. Identifiers: Orphanet 140162, MedGen C0027672, MeSH D009386, MONDO:0015356.
Gorlin syndrome. Also called: Basal cell nevus syndrome; Nevoid Basal Cell Carcinoma Syndrome. Identifiers: Orphanet 377, MedGen C0004779, MONDO:0007187.

gnomAD v4.1: 1 of 1,614,024 alleles (0.000062%); highest among the groups gnomAD compares: African/African-American, 0.0013%; no homozygotes.

Submissions (3):

Labcorp Genetics (formerly Invitae), Labcorp
Classification: Likely benign for Gorlin syndrome. Last evaluated: 2025-01-07. Review status: criteria provided, single submitter. Criteria: Invitae Variant Classification Sherloc (09022015). Collection method: clinical testing. Allele origin: germline.

Ambry Genetics
Classification: Likely benign for Hereditary cancer-predisposing syndrome. Last evaluated: 2023-11-09. Review status: criteria provided, single submitter. Criteria: Ambry Variant Classification Scheme 2023. Collection method: clinical testing. Allele origin: germline.

GeneDx
Classification: Likely benign. Last evaluated: 2015-10-29. Review status: criteria provided, single submitter. Criteria: GeneDx Variant Classification (06012015). Collection method: clinical testing. Allele origin: germline. Affected: yes.
Comment: This variant is considered likely benign or benign based on one or more of the following criteria: it is a conservative change, it occurs at a poorly conserved position in the protein, it is predicted to be benign by multiple in silico algorithms, and/or has population frequency not consistent with disease.

NM_000264.5(PTCH1):c.4179C>A (p.Pro1393=)

Gene: PTCH1 (patched 1; minus strand). Cytogenetic location: 9q22.32.
Variant type: single nucleotide variant.
Coding change: c.4179C>A on transcript NM_000264.5 (MANE Select); coding-DNA position 4179, C replaced by A.
Protein change: p.Pro1393=; no amino-acid change (proline 1393 retained).
Molecular consequence: synonymous variant. On other transcripts: non-coding transcript variant (1).
Genome position (GRCh38, 1-based): chr9:95,447,077, G>T on the plus strand (C>A on the coding strand, the complement: PTCH1 is on the minus strand). VCF-style: chr9-95447077-G-T. GRCh37 (hg19) VCF-style: chr9-98209359-G-T.
Other names: c.3981C>A, p.Pro1327= (NM_001083602.3); c.4176C>A, p.Pro1392= (NM_001083603.3); c.3726C>A, p.Pro1242= (NM_001083604.3, NM_001083605.3, NM_001083606.3 and 1 more transcripts); c.4023C>A, p.Pro1341= (NM_001354918.2).
Identifiers: ClinVar variation 381468 (VCV000381468.10), dbSNP rs1057521043, ClinGen allele CA16605763.
Genomic context (GRCh38, chr9:95,447,077, plus strand): 5'-GTGGGGGTCCTCAAACAGGCCGTGGTCAGTCTCAGGGTAGCCTGGGCAGAGTCCCCCTCG[G>T]GGGTTCCGCCCAGGCCCAGGGACAGGCGGCGGGTGCACGGCGACAGTCACGGAGGCAGAA-3'
Protein context (NP_000255.2, residues 1383-1403): PPPVPGPGRN[Pro1393=]RGGLCPGYPE